The following is an entry in ClinVar:

ClinVar aggregate classification (germline): Uncertain significance. Review status: criteria provided, multiple submitters, no conflicts (2 of 4 stars). 2 submissions from 2 submitters: Uncertain significance (2). Last evaluated 2025-06-05.

Conditions:
Inborn genetic diseases. Identifiers: MedGen C0950123, MeSH D030342.

Submissions (2):

Ambry Genetics
Classification: Uncertain significance for Inborn genetic diseases. Last evaluated: 2025-06-05. Review status: criteria provided, single submitter. Criteria: Ambry Variant Classification Scheme 2023. Collection method: clinical testing. Allele origin: germline.

CeGaT Center for Human Genetics Tuebingen
Classification: Uncertain significance. Last evaluated: 2024-03-01. Review status: criteria provided, single submitter. Criteria: CeGaT Center For Human Genetics Tuebingen Variant Classification Criteria Version 2. Collection method: clinical testing. Allele origin: germline. Affected: yes. Observed: 1 variant allele.
Comment: NEB: PM2, BP4

NM_001164508.2(NEB):c.12178A>G (p.Ser4060Gly)

Gene: NEB (nebulin; minus strand). Cytogenetic location: 2q23.3.
Variant type: single nucleotide variant.
Coding change: c.12178A>G on transcript NM_001164508.2 (MANE Select); coding-DNA position 12178, A replaced by G.
Protein change: p.Ser4060Gly; replaces serine 4060 with glycine.
Molecular consequence: missense variant.
Genome position (GRCh38, 1-based): chr2:151,609,961, T>C on the plus strand (A>G on the coding strand, the complement: NEB is on the minus strand). VCF-style: chr2-151609961-T-C. GRCh37 (hg19) VCF-style: chr2-152466475-T-C.
Other names: c.12178A>G, p.Ser4060Gly (NM_001164507.2, NM_001271208.2); c.11449A>G, p.Ser3817Gly (NM_004543.5); c.11449A>G (NM_004543.4); short protein forms S3817G, S4060G.
Identifiers: ClinVar variation 3067783 (VCV003067783.21), dbSNP rs2552227226, ClinGen allele CA348777312.